The following is an entry in ClinVar:

ClinVar aggregate classification (germline): Uncertain significance (1 of 4 stars; one submission).

Submission:

CeGaT Center for Human Genetics Tuebingen
Classification: Uncertain significance. Last evaluated: 2022-04-01. Review status: criteria provided, single submitter. Criteria: CeGaT Center For Human Genetics Tuebingen Variant Classification Criteria Version 2. Collection method: clinical testing. Allele origin: germline. Affected: yes. Observed: 1 variant allele.
Comment: MED13L: PM2, PP2, PP3

NM_015335.5(MED13L):c.5327C>T (p.Pro1776Leu)

Gene: MED13L (mediator complex subunit 13L; minus strand). Cytogenetic location: 12q24.21.
Variant type: single nucleotide variant.
Coding change: c.5327C>T on transcript NM_015335.5 (MANE Select); coding-DNA position 5327, C replaced by T.
Protein change: p.Pro1776Leu; replaces proline 1776 with leucine.
Molecular consequence: missense variant.
Genome position (GRCh38, 1-based): chr12:115,980,787, G>A on the plus strand (C>T on the coding strand, the complement: MED13L is on the minus strand). VCF-style: chr12-115980787-G-A. GRCh37 (hg19) VCF-style: chr12-116418592-G-A.
Other names: short protein forms P1776L.
Identifiers: ClinVar variation 1694678 (VCV001694678.31), dbSNP rs1592911259, ClinGen allele CA386880063.